The following is an entry in ClinVar:

NM_001855.5(COL15A1):c.1789C>T (p.Leu597=)

Gene: COL15A1 (collagen type XV alpha 1 chain; plus strand). Cytogenetic location: 9q22.33.
Variant type: single nucleotide variant.
Coding change: c.1789C>T on transcript NM_001855.5 (MANE Select); coding-DNA position 1789, C replaced by T.
Protein change: p.Leu597=; no amino-acid change (leucine 597 retained).
Molecular consequence: synonymous variant.
Genome position (GRCh38, 1-based): chr9:99,023,384, C>T. VCF-style: chr9-99023384-C-T. GRCh37 (hg19) VCF-style: chr9-101785666-C-T.
Identifiers: ClinVar variation 3040904 (VCV003040904.2), dbSNP rs142863109, ClinGen allele CA5155064.
Genomic context (GRCh38, chr9:99,023,384, plus strand): 5'-AATGCAAGTAGTGGAAATTTCTTCTCTTTCCAGGCAGGAGCAGAAGCAGAGGGCTCTGGC[C>T]TAGGCTGGGGCTCGGACGTCGGCTCTGGCTCTGGTGACCTGGTGGGCAGTGAGCAGCTGC-3'
Protein context (NP_001846.3, residues 587-607): TAGAEAEGSG[Leu597=]GWGSDVGSGS

ClinVar aggregate classification (germline): Likely benign (0 of 4 stars; one submission).

Conditions:
COL15A1-related disorder. Also called: COL15A1-related condition.

Allele frequency attached by ClinVar (database versions not stated): gnomAD exomes 0.00010; ExAC 0.00026; 1000 Genomes Project 30x 0.00078; 1000 Genomes Project 0.00080; gnomAD 0.00090; TOPMed 0.00105; ESP Exome Variant Server 0.00138.
gnomAD v4.1: 285 of 1,612,302 alleles (0.018%); highest among the groups gnomAD compares: African/African-American, 0.35%; no homozygotes.

Submission:

PreventionGenetics, part of Exact Sciences
Classification: Likely benign for COL15A1-related condition. Last evaluated: 2019-04-11. Review status: no assertion criteria provided. Collection method: clinical testing. Allele origin: germline.
Comment: This variant is classified as likely benign based on ACMG/AMP sequence variant interpretation guidelines (Richards et al. 2015 PMID: 25741868, with internal and published modifications).